The following is an entry in ClinVar:

NM_001394372.1(BICRA):c.1034A>G (p.His345Arg)

Gene: BICRA (BRD4 interacting chromatin remodeling complex associated protein; plus strand). Cytogenetic location: 19q13.33.
Variant type: single nucleotide variant.
Coding change: c.1034A>G on transcript NM_001394372.1 (MANE Select); coding-DNA position 1034, A replaced by G.
Protein change: p.His345Arg; replaces histidine 345 with arginine.
Molecular consequence: missense variant.
Genome position (GRCh38, 1-based): chr19:47,680,204, A>G. VCF-style: chr19-47680204-A-G. GRCh37 (hg19) VCF-style: chr19-48183461-A-G.
Other names: c.1034A>G, p.His345Arg (NM_015711.3); short protein forms H345R.
Identifiers: ClinVar variation 3769968 (VCV003769968.1).
Genomic context (GRCh38, chr19:47,680,204, plus strand): 5'-TGGCGGTGGCCCCAGGCCTCGGCTCGTCGCCACTGGTCCCGGCGCCCAACGTGATCCTGC[A>G]TCGCACACCCACGCCCATCCAGCCCAAGCCCGCGGGGGTGCTGCCGCCCAAGCTCTACCA-3'
Protein context (NP_001381301.1, residues 335-355): PLVPAPNVIL[His345Arg]RTPTPIQPKP

ClinVar aggregate classification (germline): Uncertain significance (1 of 4 stars; one submission).

Submission:

GeneDx
Classification: Uncertain significance. Last evaluated: 2024-09-12. Review status: criteria provided, single submitter. Criteria: GeneDx Variant Classification Process June 2021. Collection method: clinical testing. Allele origin: germline. Affected: yes.
Comment: Not observed at significant frequency in large population cohorts (gnomAD); In silico analysis indicates that this missense variant does not alter protein structure/function; Has not been previously published as pathogenic or benign to our knowledge.